The following is an entry in ClinVar:

ClinVar aggregate classification (germline): Uncertain significance (1 of 4 stars; one submission).

Allele frequency attached by ClinVar (database versions not stated): gnomAD 0.00003; ExAC 0.00004; gnomAD exomes 0.00005; TOPMed 0.00005.

Submission:

Labcorp Genetics (formerly Invitae), Labcorp
Classification: Uncertain significance. Last evaluated: 2022-03-19. Review status: criteria provided, single submitter. Criteria: Invitae Variant Classification Sherloc (09022015). Collection method: clinical testing. Allele origin: germline.
Comment: This sequence change replaces glycine, which is neutral and non-polar, with serine, which is neutral and polar, at codon 180 of the NEUROG3 protein (p.Gly180Ser). This variant is present in population databases (rs750034275, gnomAD 0.006%). This variant has not been reported in the literature in individuals affected with NEUROG3-related conditions. Algorithms developed to predict the effect of missense changes on protein structure and function (SIFT, PolyPhen-2, Align-GVGD) all suggest that this variant is likely to be tolerated. In summary, the available evidence is currently insufficient to determine the role of this variant in disease. Therefore, it has been classified as a Variant of Uncertain Significance.

NM_020999.4(NEUROG3):c.538G>A (p.Gly180Ser)

Gene: NEUROG3 (neurogenin 3; minus strand). Cytogenetic location: 10q22.1.
Variant type: single nucleotide variant.
Coding change: c.538G>A on transcript NM_020999.4 (MANE Select); coding-DNA position 538, G replaced by A.
Protein change: p.Gly180Ser; replaces glycine 180 with serine.
Molecular consequence: missense variant.
Genome position (GRCh38, 1-based): chr10:69,572,506, C>T on the plus strand (G>A on the coding strand, the complement: NEUROG3 is on the minus strand). VCF-style: chr10-69572506-C-T. GRCh37 (hg19) VCF-style: chr10-71332262-C-T.
Other names: short protein forms G180S.
Identifiers: ClinVar variation 1930604 (VCV001930604.2), dbSNP rs750034275, ClinGen allele CA5533671.